The following is an entry in ClinVar:

ClinVar aggregate classification (germline): Uncertain significance (1 of 4 stars; one submission).

Conditions:
TTN-related disorder. Also called: TTN-related disorders; TTN-related condition; TTN-related disease.

Submission:

PreventionGenetics, part of Exact Sciences
Classification: Uncertain significance for TTN-related condition. Last evaluated: 2026-03-16. Review status: criteria provided, single submitter. Criteria: ACMG Guidelines, 2015. Collection method: clinical testing. Allele origin: germline.
Comment: The TTN c.73228C>A variant is predicted to result in the amino acid substitution p.Pro24410Thr. To our knowledge, this variant has not been reported in the literature or in a large population database (gnomAD), indicating this variant is rare. At this time, the clinical significance of this variant is uncertain due to the absence of conclusive functional and genetic evidence.

NM_001267550.2(TTN):c.73228C>A (p.Pro24410Thr)

Genes: TTN (titin; minus strand), TTN-AS1 (TTN antisense RNA 1; plus strand). Cytogenetic location: 2q31.2.
Variant type: single nucleotide variant.
Coding change: c.73228C>A on transcript NM_001267550.2 (MANE Select); coding-DNA position 73228, C replaced by A.
Protein change: p.Pro24410Thr; replaces proline 24410 with threonine.
Molecular consequence: missense variant.
Genome position (GRCh38, 1-based): chr2:178,572,904, G>T on the plus strand (C>A on the coding strand, the complement: TTN is on the minus strand). VCF-style: chr2-178572904-G-T. GRCh37 (hg19) VCF-style: chr2-179437631-G-T.
Other names: c.68305C>A, p.Pro22769Thr (NM_001256850.1); c.46033C>A, p.Pro15345Thr (NM_003319.4); c.65524C>A, p.Pro21842Thr (NM_133378.4); c.46408C>A, p.Pro15470Thr (NM_133432.3); c.46609C>A, p.Pro15537Thr (NM_133437.4); short protein forms P21842T, P24410T, P15345T, P15470T, P15537T, P22769T.
Identifiers: ClinVar variation 4992510 (VCV004992510.1).
Genomic context (GRCh38, chr2:178,572,904, plus strand): 5'-GTTCAATTTCTGGAGGCAGCATTCTGTCTTCAGCCTTTGGAGTTCCAGGAACAAGGGCAG[G>T]TTCCCCAAGTCCTTCGGAATTCATGGCATAGATGCGGATCTTATATTCCTGATTCTCTGT-3'
Protein context (NP_001254479.2, residues 24400-24420): YAMNSEGLGE[Pro24410Thr]ALVPGTPKAE